The following is an entry in ClinVar:

ClinVar aggregate classification (germline): Likely benign (0 of 4 stars; one submission).

Conditions:
SLC1A4-related disorder. Also called: SLC1A4-related condition.

Submission:

PreventionGenetics, part of Exact Sciences
Classification: Likely benign for SLC1A4-related condition. Last evaluated: 2020-12-23. Review status: no assertion criteria provided. Collection method: clinical testing. Allele origin: germline.
Comment: This variant is classified as likely benign based on ACMG/AMP sequence variant interpretation guidelines (Richards et al. 2015 PMID: 25741868, with internal and published modifications).

NM_003038.5(SLC1A4):c.177C>A (p.Gly59=)

Gene: SLC1A4 (solute carrier family 1 member 4; plus strand). Cytogenetic location: 2p14.
Variant type: single nucleotide variant.
Coding change: c.177C>A on transcript NM_003038.5 (MANE Select); coding-DNA position 177, C replaced by A.
Protein change: p.Gly59=; no amino-acid change (glycine 59 retained).
Molecular consequence: synonymous variant. On other transcripts: intron variant (3).
Genome position (GRCh38, 1-based): chr2:64,989,820, C>A. VCF-style: chr2-64989820-C-A. GRCh37 (hg19) VCF-style: chr2-65216954-C-A.
Other names: c.-134+1200C>A (NM_001348406.2, NM_001193493.2); c.-134+1266C>A (NM_001348407.2).
Identifiers: ClinVar variation 3030663 (VCV003030663.2), dbSNP rs1243272888, ClinGen allele CA426751210.
Genomic context (GRCh38, chr2:64,989,820, plus strand): 5'-GCGGCGCCAAGCGCTGGTGCTGCTCACCGTGTCCGGGGTGCTGGCGGGCGCGGGCCTGGG[C>A]GCGGCGTTGCGCGGGCTCAGCCTGAGCCGCACGCAGGTCACCTACCTGGCCTTCCCCGGC-3'
Protein context (NP_003029.2, residues 49-69): VSGVLAGAGL[Gly59=]AALRGLSLSR